The following is an entry in ClinVar:

NM_002661.5(PLCG2):c.3776G>C (p.Ser1259Thr)

Gene: PLCG2 (phospholipase C gamma 2; plus strand). Cytogenetic location: 16q23.3.
Variant type: single nucleotide variant.
Coding change: c.3776G>C on transcript NM_002661.5 (MANE Select); coding-DNA position 3776, G replaced by C.
Protein change: p.Ser1259Thr; replaces serine 1259 with threonine.
Molecular consequence: missense variant.
Genome position (GRCh38, 1-based): chr16:81,957,976, G>C. VCF-style: chr16-81957976-G-C. GRCh37 (hg19) VCF-style: chr16-81991581-G-C.
Other names: short protein forms S1259T.
Identifiers: ClinVar variation 1961887 (VCV001961887.6), dbSNP rs1193899762, ClinGen allele CA396898842.

ClinVar aggregate classification (germline): Uncertain significance. Review status: criteria provided, multiple submitters, no conflicts (2 of 4 stars). 2 submissions from 2 submitters: Uncertain significance (2). Last evaluated 2025-11-24.

Conditions:
Inborn genetic diseases. Identifiers: MedGen C0950123, MeSH D030342.
Familial cold autoinflammatory syndrome 3 (FCAS3). Also called: FAMILIAL ATYPICAL COLD URTICARIA; ANTIBODY DEFICIENCY AND IMMUNE DYSREGULATION, PLCG2-ASSOCIATED. Identifiers: Orphanet 300359, MedGen C3280914, MONDO:0013766, OMIM 614468.

Allele frequency attached by ClinVar (database versions not stated): gnomAD 0.00001; TOPMed 0.00001.
gnomAD v4.1: 1 of 1,613,458 alleles (0.000062%); highest among the groups gnomAD compares: African/African-American, 0.0013%; no homozygotes.

Submissions (2):

Ambry Genetics
Classification: Uncertain significance for Inborn genetic diseases. Last evaluated: 2025-11-24. Review status: criteria provided, single submitter. Criteria: Ambry Variant Classification Scheme 2023. Collection method: clinical testing. Allele origin: germline.

Labcorp Genetics (formerly Invitae), Labcorp
Classification: Uncertain significance for Familial cold autoinflammatory syndrome 3. Last evaluated: 2022-09-01. Review status: criteria provided, single submitter. Criteria: Invitae Variant Classification Sherloc (09022015). Collection method: clinical testing. Allele origin: germline.
Comment: In summary, the available evidence is currently insufficient to determine the role of this variant in disease. Therefore, it has been classified as a Variant of Uncertain Significance. Algorithms developed to predict the effect of missense changes on protein structure and function (SIFT, PolyPhen-2, Align-GVGD) all suggest that this variant is likely to be tolerated. This variant has not been reported in the literature in individuals affected with PLCG2-related conditions. This variant is not present in population databases (gnomAD no frequency). This sequence change replaces serine, which is neutral and polar, with threonine, which is neutral and polar, at codon 1259 of the PLCG2 protein (p.Ser1259Thr).